The following is an entry in ClinVar:

NM_000051.4(ATM):c.2452A>G (p.Ile818Val)

Gene: ATM (ATM serine/threonine kinase; plus strand). Cytogenetic location: 11q22.3.
Variant type: single nucleotide variant.
Coding change: c.2452A>G on transcript NM_000051.4 (MANE Select); coding-DNA position 2452, A replaced by G.
Protein change: p.Ile818Val; replaces isoleucine 818 with valine.
Molecular consequence: missense variant.
Genome position (GRCh38, 1-based): chr11:108,259,061, A>G. VCF-style: chr11-108259061-A-G. GRCh37 (hg19) VCF-style: chr11-108129788-A-G.
Other names: c.2452A>G, p.Ile818Val (NM_001351834.2); short protein forms I818V.
Identifiers: ClinVar variation 839381 (VCV000839381.9), dbSNP rs2080700458, ClinGen allele CA382541367.

ClinVar aggregate classification (germline): Uncertain significance (1 of 4 stars; one submission).

Conditions:
Ataxia-telangiectasia syndrome (AT). Also called: Ataxia-telangiectasia, complementation group E; Ataxia telangiectasia (A-T); LOUIS-BAR SYNDROME; Ataxia-telangiectasia, complementation group D; AT, COMPLEMENTATION GROUP C; Ataxia-telangiectasia. Identifiers: Orphanet 100, MedGen C0004135, MONDO:0008840, OMIM 208900.

Submission:

Labcorp Genetics (formerly Invitae), Labcorp
Classification: Uncertain significance for Ataxia-telangiectasia syndrome. Last evaluated: 2022-09-03. Review status: criteria provided, single submitter. Criteria: Invitae Variant Classification Sherloc (09022015). Collection method: clinical testing. Allele origin: germline.
Comment: ClinVar contains an entry for this variant (Variation ID: 839381). In summary, the available evidence is currently insufficient to determine the role of this variant in disease. Therefore, it has been classified as a Variant of Uncertain Significance. Advanced modeling of protein sequence and biophysical properties (such as structural, functional, and spatial information, amino acid conservation, physicochemical variation, residue mobility, and thermodynamic stability) performed at Invitae indicates that this missense variant is not expected to disrupt ATM protein function. This variant has not been reported in the literature in individuals affected with ATM-related conditions. This variant is not present in population databases (gnomAD no frequency). This sequence change replaces isoleucine, which is neutral and non-polar, with valine, which is neutral and non-polar, at codon 818 of the ATM protein (p.Ile818Val).